The following is an entry in ClinVar:

ClinVar aggregate classification (germline): Likely pathogenic (1 of 4 stars; one submission).

Conditions:
Immunodeficiency 74, COVID-19-related, X-linked. Also called: IMMUNODEFICIENCY 74, COVID19-RELATED, X-LINKED; RESPIRATORY INSUFFICIENCY DUE TO SARS-CoV-2 VIRAL INFECTION; TLR7 DEFICIENCY. Identifiers: MedGen C5435745, MONDO:0026767, OMIM 301051.

Submission:

Variantyx, Inc.
Classification: Likely pathogenic for Immunodeficiency 74, COVID-19-related, X-linked. Last evaluated: 2025-08-19. Review status: criteria provided, single submitter. Criteria: Variantyx Assertion Criteria 2022. Collection method: clinical testing. Allele origin: maternal. Inheritance: X-linked recessive inheritance.
Comment: This is a frameshift variant in the TLR7 gene (OMIM: 300365). Pathogenic variants that cause loss of function in this gene have been associated with X-linked COVID-19-related immunodeficiency 74. This variant introduces a premature termination codon in exon 3 out of 3. While loss of function is a known disease mechanism for TLR7 in this disorder (PMID: 32706371, 34952932, 35708626), this variant is not expected to result in nonsense-mediated mRNA decay, and a truncated protein lacking the C-terminal 717 amino acids (~68% of the protein) may be produced. However, this truncation ablates the transmembrane domain and the TIR domain, likely resulting in complete loss of function. A downstream frameshift variant, c.2129_2132del (p.Gln710Argfs*18), was shown to segregate with disease and result in lack of protein expression, with complete absence of IFN-y production and other downstream pathways in response to pharmacological stimulation of TLR7 (PMID: 32706371) (PVS1). This variant is absent from control populations (PM2). Based on the current evidence, this variant is classified as likely pathogenic for X-linked COVID-19-related immunodeficiency 74.

Literature cited by the submitters: PubMed 32706371; PubMed 34952932; PubMed 35708626.

NM_016562.4(TLR7):c.995del (p.Asp332fs)

Gene: TLR7 (toll like receptor 7; plus strand). Cytogenetic location: Xp22.2.
Variant type: Deletion.
Coding change: c.995del on transcript NM_016562.4 (MANE Select); coding-DNA position 995, one base deleted (A; older notation c.995delA).
Protein change: p.Asp332fs; shifts the reading frame from aspartic acid 332.
Molecular consequence: frameshift variant.
Genome position (GRCh38, 1-based): chrX:12,886,503, A deleted. VCF-style (leftmost placement, unchanged base first): chrX-12886502-GA-G. GRCh37 (hg19) VCF-style: chrX-12904621-GA-G.
Other names: short protein forms D332fs.
Identifiers: ClinVar variation 4813714 (VCV004813714.1).